The following is an entry in ClinVar:

NM_001242882.2(NAXD):c.749G>A (p.Arg250His)

Gene: NAXD (NAD(P)HX dehydratase; plus strand). Cytogenetic location: 13q34.
Variant type: single nucleotide variant.
Coding change: c.749G>A on transcript NM_001242882.2 (MANE Select); coding-DNA position 749, G replaced by A.
Protein change: p.Arg250His; replaces arginine 250 with histidine.
Molecular consequence: missense variant. On other transcripts: non-coding transcript variant (2).
Genome position (GRCh38, 1-based): chr13:110,637,159, G>A. VCF-style: chr13-110637159-G-A. GRCh37 (hg19) VCF-style: chr13-111289506-G-A.
Other names: c.803G>A, p.Arg268His (NM_001242881.2, NM_018210.4); c.473G>A, p.Arg158His (NM_001242883.2); short protein forms R158H, R250H, R268H.
Identifiers: ClinVar variation 3177688 (VCV003177688.2), dbSNP rs61745623, ClinGen allele CA7051358.
Genomic context (GRCh38, chr13:110,637,159, plus strand): 5'-GACACCTGCTCTCACTTCTGCCCTGTGCAGTGCTTGTGTGCAGCCAGGAAGGCAGCAGCC[G>A]CAGGTGTGGAGGGCAAGGGGACCTCCTGTCGGGCTCCCTGGGCGTCCTGGTACACTGGGC-3'
Protein context (NP_001229811.1, residues 240-260): VLVCSQEGSS[Arg250His]RCGGQGDLLS

ClinVar aggregate classification (germline): Uncertain significance. Review status: criteria provided, multiple submitters, no conflicts (2 of 4 stars). 2 submissions from 2 submitters: Uncertain significance (2). Last evaluated 2024-05-20.

Conditions:
Inborn genetic diseases. Identifiers: MedGen C0950123, MeSH D030342.

Allele frequency attached by ClinVar (database versions not stated): gnomAD exomes 0.00004; TOPMed 0.00005; ExAC 0.00006; gnomAD 0.00007; ESP Exome Variant Server 0.00008.
gnomAD v4.1: 71 of 1,613,696 alleles (0.0044%); highest among the groups gnomAD compares: East Asian, 0.0022%; no homozygotes.

Submissions (2):

GeneDx
Classification: Uncertain significance. Last evaluated: 2024-05-20. Review status: criteria provided, single submitter. Criteria: GeneDx Variant Classification Process June 2021. Collection method: clinical testing. Allele origin: germline. Affected: yes.
Comment: In silico analysis supports that this missense variant has a deleterious effect on protein structure/function; Has not been previously published as pathogenic or benign to our knowledge

Ambry Genetics
Classification: Uncertain significance for Inborn genetic diseases. Last evaluated: 2022-03-25. Review status: criteria provided, single submitter. Criteria: Ambry Variant Classification Scheme 2023. Collection method: clinical testing. Allele origin: germline.